The following is an entry in ClinVar:

NM_004360.5(CDH1):c.650C>A (p.Thr217Lys)

Gene: CDH1 (cadherin 1; plus strand). Cytogenetic location: 16q22.1.
Variant type: single nucleotide variant.
Coding change: c.650C>A on transcript NM_004360.5 (MANE Select); coding-DNA position 650, C replaced by A.
Protein change: p.Thr217Lys; replaces threonine 217 with lysine.
Molecular consequence: missense variant. On other transcripts: 5 prime UTR variant (2).
Genome position (GRCh38, 1-based): chr16:68,808,811, C>A. VCF-style: chr16-68808811-C-A. GRCh37 (hg19) VCF-style: chr16-68842714-C-A.
Other names: c.650C>A (LRG_301t1); c.650C>A, p.Thr217Lys (NM_001317184.2); c.-966C>A (NM_001317185.2); c.-1170C>A (NM_001317186.2); short protein forms T217K.
Identifiers: ClinVar variation 219527 (VCV000219527.29), dbSNP rs778382252, ClinGen allele CA349440.

ClinVar aggregate classification (germline): Conflicting classifications of pathogenicity. Review status: criteria provided, conflicting classifications (1 of 4 stars). 8 submissions from 8 submitters: Likely pathogenic (1); Uncertain significance (7). Last evaluated 2025-12-08.

Conditions:
Hereditary cancer-predisposing syndrome. Also called: Tumor predisposition; Hereditary Cancer Syndrome; Neoplastic Syndromes, Hereditary; Hereditary neoplastic syndrome. Identifiers: Orphanet 140162, MedGen C0027672, MeSH D009386, MONDO:0015356.
Hereditary diffuse gastric adenocarcinoma (HDGC). Also called: DIFFUSE GASTRIC AND LOBULAR BREAST CANCER SYNDROME. Identifiers: Orphanet 26106, MedGen C1708349, MONDO:0007648, OMIM 137215.
Breast-ovarian cancer, familial, susceptibility to, 2 (BROVCA2). Also called: BRCA2 Hereditary Breast and Ovarian Cancer. Identifiers: Orphanet 145, MedGen C2675520, MONDO:0012933, OMIM 612555. Disease mechanism: loss of function.

Allele frequency attached by ClinVar (database versions not stated): ExAC 0.00001; gnomAD 0.00001; gnomAD exomes 0.00001; TOPMed 0.00001.
gnomAD v4.1: 12 of 1,613,996 alleles (0.00074%); highest among the groups gnomAD compares: Non-Finnish European, 0.00093%; no homozygotes.

Submissions (8):

Labcorp Genetics (formerly Invitae), Labcorp
Classification: Uncertain significance for Hereditary diffuse gastric adenocarcinoma. Last evaluated: 2025-12-08. Review status: criteria provided, single submitter. Criteria: Invitae Variant Classification Sherloc (09022015). Collection method: clinical testing. Allele origin: germline.
Comment: This sequence change replaces threonine, which is neutral and polar, with lysine, which is basic and polar, at codon 217 of the CDH1 protein (p.Thr217Lys). This variant is present in population databases (rs778382252, gnomAD 0.003%). This variant has not been reported in the literature in individuals affected with CDH1-related conditions. ClinVar contains an entry for this variant (Variation ID: 219527). An algorithm developed to predict the effect of missense changes on protein structure and function (PolyPhen-2) suggests that this variant is likely to be disruptive. In summary, the available evidence is currently insufficient to determine the role of this variant in disease. Therefore, it has been classified as a Variant of Uncertain Significance.

Color Diagnostics, LLC DBA Color Health
Classification: Uncertain significance for Hereditary cancer-predisposing syndrome. Last evaluated: 2024-10-21. Review status: criteria provided, single submitter. Criteria: ACMG Guidelines, 2015. Collection method: clinical testing. Allele origin: germline.
Comment: This missense variant replaces threonine with lysine at codon 217 of the CDH1 protein. To our knowledge, functional studies have not been reported for this variant. In a large breast cancer case-control study, this variant was observed in 1/60466 cases and 3/53461 unaffected controls (PMID: 33471991). This variant has been identified in 12/1613996 chromosomes in the general population by the Genome Aggregation Database (gnomAD). The available evidence is insufficient to determine the role of this variant in disease conclusively. Therefore, this variant is classified as a Variant of Uncertain Significance.

Ambry Genetics
Classification: Uncertain significance for Hereditary cancer-predisposing syndrome. Last evaluated: 2024-03-18. Review status: criteria provided, single submitter. Criteria: Ambry Variant Classification Scheme 2023. Collection method: clinical testing. Allele origin: germline.
Comment: The p.T217K variant (also known as c.650C>A), located in coding exon 5 of the CDH1 gene, results from a C to A substitution at nucleotide position 650. The threonine at codon 217 is replaced by lysine, an amino acid with similar properties. This amino acid position is highly conserved in available vertebrate species. In addition, the in silico prediction for this alteration is inconclusive. Since supporting evidence is limited at this time, the clinical significance of this alteration remains unclear.

European Reference Network on Genetic Tumour Risk Syndromes (ERN-GENTURIS), i3s - Instituto de Investigação e Inovação em Saúde, University of Porto
Classification: Uncertain significance for Hereditary diffuse gastric adenocarcinoma. Last evaluated: 2022-08-01. Review status: criteria provided, single submitter. Criteria: Lee et al. (Hum Mutat. 2018). Collection method: clinical testing. Allele origin: germline. Inheritance: Autosomal dominant inheritance. Affected: no. Study: ERN GENTURIS.
Comment: Not applicable criteria (PMID: 30311375)

GeneDx
Classification: Uncertain significance. Last evaluated: 2022-07-12. Review status: criteria provided, single submitter. Criteria: GeneDx Variant Classification Process June 2021. Collection method: clinical testing. Allele origin: germline. Affected: yes.
Comment: Not observed at significant frequency in large population cohorts (gnomAD); In silico analysis supports that this missense variant has a deleterious effect on protein structure/function; Has not been previously published as pathogenic or benign to our knowledge; This variant is associated with the following publications: (PMID: 15235021, 22850631)

Sema4
Classification: Uncertain significance for Hereditary cancer-predisposing syndrome. Last evaluated: 2021-09-15. Review status: criteria provided, single submitter. Criteria: Sema4 Curation Guidelines. Collection method: curation. Allele origin: germline.
Comment: The CDH1 c.650C>A (p.T217K) variant has been reported by a large case-control study in one individual with breast cancer and in three unaffected controls (PMID: 33471991). It was also observed in 3/113416 chromosomes of the Non-Finnish European subpopulation in the large and broad cohorts of the Genome Aggregation Database (PMID: 32461654). The variant has been reported in ClinVar (Variation ID: 219527). Functional studies have not been performed, and in silico predictions of the variant's effect on protein function are inconclusive. The evidence is insufficient to meet ACMG/AMP criteria for classifying the variant as benign or pathogenic. Thus, the clinical significance of this variant is currently uncertain.

Quest Diagnostics Nichols Institute San Juan Capistrano
Classification: Uncertain significance. Last evaluated: 2019-03-25. Review status: criteria provided, single submitter. Criteria: Quest Diagnostics criteria. Collection method: clinical testing. Allele origin: germline.

Dipartimento Di Medicina Di Precisione, Università Degli Studi Della Campania Luigi Vanvitelli
Classification: Likely pathogenic for Breast-ovarian cancer, familial, susceptibility to, 2. Review status: criteria provided, single submitter. Criteria: ACMG Guidelines, 2015. Collection method: clinical testing. Allele origin: germline. Inheritance: Autosomal dominant inheritance. Affected: yes. Observed: 1 heterozygote.
Comment: The missense variant c.650C>A (p.Thr217Lys) in CDH1, located in exon 5, results in a non-conservative amino acid substitution in the extracellular domain of E-cadherin, which is critical for cell-cell adhesion. The altered residue is highly conserved, and in silico predictions (e.g. REVEL, CADD, PolyPhen-2) suggest a deleterious effect. Although currently classified as a VUS, the variant has been re-evaluated as likely pathogenic based on ACMG/AMP criteria (PM2, PP3, possibly PM1 if the domain is functionally critical).

Literature cited by the submitters: PubMed 33471991 (cited by Color Diagnostics, LLC DBA Color Health and Sema4); PubMed 36436516 (cited by European Reference Network on Genetic Tumour Risk Syndromes (ERN-GENTURIS), i3s - Instituto de Investigação e Inovação em Saúde, University of Porto); DOI 10.3390/ijms26135928 (cited by Dipartimento Di Medicina Di Precisione, Università Degli Studi Della Campania Luigi Vanvitelli).